The following is an entry in ClinVar:

ClinVar aggregate classification (germline): Uncertain significance. Review status: criteria provided, multiple submitters, no conflicts (2 of 4 stars). 2 submissions from 2 submitters: Uncertain significance (2). Last evaluated 2025-01-14.

Conditions:
Inborn genetic diseases. Identifiers: MedGen C0950123, MeSH D030342.

gnomAD v4.1: 1 of 1,613,866 alleles (0.000062%); highest among the groups gnomAD compares: African/African-American, 0.0013%; no homozygotes.

Submissions (2):

Ambry Genetics
Classification: Uncertain significance for Inborn genetic diseases. Last evaluated: 2025-01-14. Review status: criteria provided, single submitter. Criteria: Ambry Variant Classification Scheme 2023. Collection method: clinical testing. Allele origin: germline.
Comment: The p.T551A variant (also known as c.1651A>G), located in coding exon 12 of the ASXL1 gene, results from an A to G substitution at nucleotide position 1651. The threonine at codon 551 is replaced by alanine, an amino acid with similar properties. This amino acid position is conserved. In addition, this alteration is predicted to be tolerated by in silico analysis. Based on the available evidence, the clinical significance of this variant remains unclear.

Labcorp Genetics (formerly Invitae), Labcorp
Classification: Uncertain significance. Last evaluated: 2024-07-24. Review status: criteria provided, single submitter. Criteria: Invitae Variant Classification Sherloc (09022015). Collection method: clinical testing. Allele origin: germline.
Comment: This sequence change replaces threonine, which is neutral and polar, with alanine, which is neutral and non-polar, at codon 551 of the ASXL1 protein (p.Thr551Ala). This variant is not present in population databases (gnomAD no frequency). This variant has not been reported in the literature in individuals affected with ASXL1-related conditions. An algorithm developed to predict the effect of missense changes on protein structure and function (PolyPhen-2) suggests that this variant is likely to be disruptive. In summary, the available evidence is currently insufficient to determine the role of this variant in disease. Therefore, it has been classified as a Variant of Uncertain Significance.

NM_015338.6(ASXL1):c.1651A>G (p.Thr551Ala)

Gene: ASXL1 (ASXL transcriptional regulator 1; plus strand). Cytogenetic location: 20q11.21.
Variant type: single nucleotide variant.
Coding change: c.1651A>G on transcript NM_015338.6 (MANE Select); coding-DNA position 1651, A replaced by G.
Protein change: p.Thr551Ala; replaces threonine 551 with alanine.
Molecular consequence: missense variant.
Genome position (GRCh38, 1-based): chr20:32,433,849, A>G. VCF-style: chr20-32433849-A-G. GRCh37 (hg19) VCF-style: chr20-31021652-A-G.
Other names: c.1468A>G, p.Thr490Ala (NM_001363734.1); short protein forms T551A, T490A.
Identifiers: ClinVar variation 3680893 (VCV003680893.3).